The following is an entry in ClinVar:

NM_024700.4(SNIP1):c.911C>T (p.Ala304Val)

Genes: SNIP1 (Smad nuclear interacting protein 1; minus strand), LOC126805704 (BRD4-independent group 4 enhancer GRCh37_chr1:38005292-38006491; plus strand). Cytogenetic location: 1p34.3.
Variant type: single nucleotide variant.
Coding change: c.911C>T on transcript NM_024700.4 (MANE Select); coding-DNA position 911, C replaced by T.
Protein change: p.Ala304Val; replaces alanine 304 with valine.
Molecular consequence: missense variant.
Genome position (GRCh38, 1-based): chr1:37,540,172, G>A on the plus strand (C>T on the coding strand, the complement: SNIP1 is on the minus strand). VCF-style: chr1-37540172-G-A. GRCh37 (hg19) VCF-style: chr1-38005773-G-A.
Other names: c.911C>T (NM_024700.2); short protein forms A304V.
Identifiers: ClinVar variation 1475005 (VCV001475005.9), dbSNP rs1198779795, ClinGen allele CA339448403.

ClinVar aggregate classification (germline): Uncertain significance. Review status: criteria provided, multiple submitters, no conflicts (2 of 4 stars). 2 submissions from 2 submitters: Uncertain significance (2). Last evaluated 2025-06-30.

Allele frequency attached by ClinVar (database versions not stated): gnomAD exomes below 0.00001; TOPMed below 0.00001.

Submissions (2):

Ambry Genetics
Classification: Uncertain significance. Last evaluated: 2025-06-30. Review status: criteria provided, single submitter. Criteria: Ambry Variant Classification Scheme 2023. Collection method: clinical testing. Allele origin: germline.

Labcorp Genetics (formerly Invitae), Labcorp
Classification: Uncertain significance. Last evaluated: 2022-08-09. Review status: criteria provided, single submitter. Criteria: Invitae Variant Classification Sherloc (09022015). Collection method: clinical testing. Allele origin: germline.
Comment: In summary, the available evidence is currently insufficient to determine the role of this variant in disease. Therefore, it has been classified as a Variant of Uncertain Significance. Algorithms developed to predict the effect of missense changes on protein structure and function (SIFT, PolyPhen-2, Align-GVGD) all suggest that this variant is likely to be disruptive. ClinVar contains an entry for this variant (Variation ID: 1475005). This variant has not been reported in the literature in individuals affected with SNIP1-related conditions. This variant is present in population databases (no rsID available, gnomAD 0.0009%). This sequence change replaces alanine, which is neutral and non-polar, with valine, which is neutral and non-polar, at codon 304 of the SNIP1 protein (p.Ala304Val).